The following is an entry in ClinVar:

ClinVar aggregate classification (germline): Conflicting classifications of pathogenicity. Review status: criteria provided, conflicting classifications (1 of 4 stars). 2 submissions from 2 submitters: Uncertain significance (1); Likely benign (1). Last evaluated 2025-11-02.

Allele frequency attached by ClinVar (database versions not stated): gnomAD exomes 0.00002 and 0.00004; gnomAD 0.00003 and 0.00004; ExAC 0.00006; ESP Exome Variant Server 0.00009; TOPMed 0.00009.
gnomAD v4.1: 28 of 1,210,079 alleles (0.0023%); highest among the groups gnomAD compares: South Asian, 0.0053%; no homozygotes.

Submissions (2):

Labcorp Genetics (formerly Invitae), Labcorp
Classification: Uncertain significance. Last evaluated: 2025-11-02. Review status: criteria provided, single submitter. Criteria: Invitae Variant Classification Sherloc (09022015). Collection method: clinical testing. Allele origin: germline.
Comment: This sequence change replaces alanine, which is neutral and non-polar, with valine, which is neutral and non-polar, at codon 602 of the SH3KBP1 protein (p.Ala602Val). This variant is present in population databases (rs369126109, gnomAD 0.009%). This variant has not been reported in the literature in individuals affected with SH3KBP1-related conditions. ClinVar contains an entry for this variant (Variation ID: 1397548). Invitae Evidence Modeling of protein sequence and biophysical properties (such as structural, functional, and spatial information, amino acid conservation, physicochemical variation, residue mobility, and thermodynamic stability) indicates that this missense variant is not expected to disrupt SH3KBP1 protein function with a negative predictive value of 80%. In summary, the available evidence is currently insufficient to determine the role of this variant in disease. Therefore, it has been classified as a Variant of Uncertain Significance.

Ambry Genetics
Classification: Likely benign. Last evaluated: 2025-10-06. Review status: criteria provided, single submitter. Criteria: Ambry Variant Classification Scheme 2023. Collection method: clinical testing. Allele origin: germline.

NM_031892.3(SH3KBP1):c.1805C>T (p.Ala602Val)

Gene: SH3KBP1 (SH3 domain containing kinase binding protein 1; minus strand). Cytogenetic location: Xp22.12.
Variant type: single nucleotide variant.
Coding change: c.1805C>T on transcript NM_031892.3 (MANE Select); coding-DNA position 1805, C replaced by T.
Protein change: p.Ala602Val; replaces alanine 602 with valine.
Molecular consequence: missense variant.
Genome position (GRCh38, 1-based): chrX:19,542,012, G>A on the plus strand (C>T on the coding strand, the complement: SH3KBP1 is on the minus strand). VCF-style: chrX-19542012-G-A. GRCh37 (hg19) VCF-style: chrX-19560130-G-A.
Other names: c.1694C>T, p.Ala565Val (NM_001024666.3); c.1091C>T, p.Ala364Val (NM_001184960.2); c.1676C>T, p.Ala559Val (NM_001353890.2); c.1880C>T, p.Ala627Val (NM_001353891.2); c.1751C>T, p.Ala584Val (NM_001353892.2); c.1703C>T, p.Ala568Val (NM_001353893.2); c.1574C>T, p.Ala525Val (NM_001353894.2); c.1631C>T, p.Ala544Val (NM_001353895.2); and 2 more; short protein forms A321V, A602V, A525V, A544V, A559V, A565V, A584V, A568V.
Identifiers: ClinVar variation 1397548 (VCV001397548.9), dbSNP rs369126109, ClinGen allele CA10364444.